The following is an entry in ClinVar:

NM_001145358.2(SIN3A):c.3304G>A (p.Val1102Met)

Gene: SIN3A (SIN3 transcription regulator family member A; minus strand). Cytogenetic location: 15q24.2.
Variant type: single nucleotide variant.
Coding change: c.3304G>A on transcript NM_001145358.2 (MANE Select); coding-DNA position 3304, G replaced by A.
Protein change: p.Val1102Met; replaces valine 1102 with methionine.
Molecular consequence: missense variant.
Genome position (GRCh38, 1-based): chr15:75,380,708, C>T on the plus strand (G>A on the coding strand, the complement: SIN3A is on the minus strand). VCF-style: chr15-75380708-C-T. GRCh37 (hg19) VCF-style: chr15-75673049-C-T.
Other names: c.3304G>A, p.Val1102Met (NM_001145357.2, NM_015477.3); short protein forms V1102M.
Identifiers: ClinVar variation 2728195 (VCV002728195.5), dbSNP rs754902352, ClinGen allele CA7667276.

ClinVar aggregate classification (germline): Uncertain significance. Review status: criteria provided, multiple submitters, no conflicts (2 of 4 stars). 2 submissions from 2 submitters: Uncertain significance (2). Last evaluated 2025-12-10.

Allele frequency attached by ClinVar (database versions not stated): ExAC 0.00001; gnomAD exomes 0.00001; TOPMed below 0.00001.
gnomAD v4.1: 13 of 1,613,802 alleles (0.00081%); highest among the groups gnomAD compares: Admixed American, 0.005%; no homozygotes.

Submissions (2):

Dasa
Classification: Uncertain significance. Last evaluated: 2025-12-10. Review status: criteria provided, single submitter. Criteria: DASA Assertion Criteria. Collection method: clinical testing. Allele origin: germline.
Comment: NM_001145358.2(SIN3A):c.3304G>A (p.Val1102Met) is a missense variant that results in the substitution of valine with methionine. This variant is rare in population databases. Computational prediction algorithms are consistent with a benign effect. The currently available literature and clinical evidence are not sufficient to establish a definitive association between this variant and the reported condition. Therefore, this variant is classified as a variant of uncertain significance.

Labcorp Genetics (formerly Invitae), Labcorp
Classification: Uncertain significance. Last evaluated: 2023-01-09. Review status: criteria provided, single submitter. Criteria: Invitae Variant Classification Sherloc (09022015). Collection method: clinical testing. Allele origin: germline.
Comment: In summary, the available evidence is currently insufficient to determine the role of this variant in disease. Therefore, it has been classified as a Variant of Uncertain Significance. Advanced modeling of protein sequence and biophysical properties (such as structural, functional, and spatial information, amino acid conservation, physicochemical variation, residue mobility, and thermodynamic stability) performed at Invitae indicates that this missense variant is not expected to disrupt SIN3A protein function. This variant has not been reported in the literature in individuals affected with SIN3A-related conditions. This variant is present in population databases (rs754902352, gnomAD 0.009%). This sequence change replaces valine, which is neutral and non-polar, with methionine, which is neutral and non-polar, at codon 1102 of the SIN3A protein (p.Val1102Met).